The following is an entry in ClinVar:

ClinVar aggregate classification (germline): Likely benign. Review status: criteria provided, single submitter (1 of 4 stars). 2 submissions from 2 submitters: Likely benign (1). 1 of the submissions does not count toward it. Last evaluated 2023-07-31.

Conditions:
PLXNA2-related disorder. Also called: PLXNA2-related condition.

Allele frequency attached by ClinVar (database versions not stated): gnomAD exomes 0.00001.
gnomAD v4.1: 19 of 1,612,540 alleles (0.0012%); highest among the groups gnomAD compares: Non-Finnish European, 0.0016%; no homozygotes.

Submissions (2):

Labcorp Genetics (formerly Invitae), Labcorp
Classification: Likely benign. Last evaluated: 2023-07-31. Review status: criteria provided, single submitter. Criteria: Invitae Variant Classification Sherloc (09022015). Collection method: clinical testing. Allele origin: germline.

PreventionGenetics, part of Exact Sciences
Classification: Likely benign for PLXNA2-related condition. Last evaluated: 2023-02-15. Review status: no assertion criteria provided. Collection method: clinical testing. Allele origin: germline. Not counted in ClinVar's aggregate classification.
Comment: This variant is classified as likely benign based on ACMG/AMP sequence variant interpretation guidelines (Richards et al. 2015 PMID: 25741868, with internal and published modifications).

NM_025179.4(PLXNA2):c.2439C>G (p.Leu813=)

Gene: PLXNA2 (plexin A2; minus strand). Cytogenetic location: 1q32.2.
Variant type: single nucleotide variant.
Coding change: c.2439C>G on transcript NM_025179.4 (MANE Select); coding-DNA position 2439, C replaced by G.
Protein change: p.Leu813=; no amino-acid change (leucine 813 retained).
Molecular consequence: synonymous variant.
Genome position (GRCh38, 1-based): chr1:208,079,407, G>C on the plus strand (C>G on the coding strand, the complement: PLXNA2 is on the minus strand). VCF-style: chr1-208079407-G-C. GRCh37 (hg19) VCF-style: chr1-208252752-G-C.
Other names: c.2439C>G (NM_025179.3).
Identifiers: ClinVar variation 3010883 (VCV003010883.4), dbSNP rs2526633105, ClinGen allele CA422978636.